The following is an entry in ClinVar:

NM_001261826.3(AP3D1):c.2580G>T (p.Lys860Asn)

Gene: AP3D1 (adaptor related protein complex 3 subunit delta 1; minus strand). Cytogenetic location: 19p13.3.
Variant type: single nucleotide variant.
Coding change: c.2580G>T on transcript NM_001261826.3 (MANE Select); coding-DNA position 2580, G replaced by T.
Protein change: p.Lys860Asn; replaces lysine 860 with asparagine.
Molecular consequence: missense variant.
Genome position (GRCh38, 1-based): chr19:2,114,146, C>A on the plus strand (G>T on the coding strand, the complement: AP3D1 is on the minus strand). VCF-style: chr19-2114146-C-A. GRCh37 (hg19) VCF-style: chr19-2114145-C-A.
Other names: c.2580G>T (NM_003938.5, NM_001261826.1); c.2580G>T, p.Lys860Asn (NM_001374799.1, NM_003938.8); short protein forms K860N.
Identifiers: ClinVar variation 1516703 (VCV001516703.10), dbSNP rs375962470, ClinGen allele CA9058809.

ClinVar aggregate classification (germline): Uncertain significance. Review status: criteria provided, multiple submitters, no conflicts (2 of 4 stars). 3 submissions from 3 submitters: Uncertain significance (3). Last evaluated 2025-09-04.

Conditions:
Inborn genetic diseases. Identifiers: MedGen C0950123, MeSH D030342.
AP3D1-related disorder. Also called: AP3D1-related condition.

Allele frequency attached by ClinVar (database versions not stated): gnomAD exomes 0.00007 and 0.00013; gnomAD 0.00010 and 0.00011; TOPMed 0.00011; ExAC 0.00012; ESP Exome Variant Server 0.00016.
gnomAD v4.1: 193 of 1,562,986 alleles (0.012%); highest among the groups gnomAD compares: Non-Finnish European, 0.016%; no homozygotes.

Submissions (3):

PreventionGenetics, part of Exact Sciences
Classification: Uncertain significance for AP3D1-related condition. Last evaluated: 2025-09-04. Review status: criteria provided, single submitter. Criteria: ACMG Guidelines, 2015. Collection method: clinical testing. Allele origin: germline.
Comment: The AP3D1 c.2580G>T variant is predicted to result in the amino acid substitution p.Lys860Asn. To our knowledge, this variant has not been reported in the literature. This variant is present in 0.016% of alleles in individuals of European (Non-Finnish) descent in gnomAD. At this time, the clinical significance of this variant is uncertain due to the absence of conclusive functional and genetic evidence.

Labcorp Genetics (formerly Invitae), Labcorp
Classification: Uncertain significance. Last evaluated: 2025-08-08. Review status: criteria provided, single submitter. Criteria: Invitae Variant Classification Sherloc (09022015). Collection method: clinical testing. Allele origin: germline.
Comment: This sequence change replaces lysine, which is basic and polar, with asparagine, which is neutral and polar, at codon 860 of the AP3D1 protein (p.Lys860Asn). The frequency data for this variant in the population databases is considered unreliable, as metrics indicate poor data quality at this position in the gnomAD database. This variant has not been reported in the literature in individuals affected with AP3D1-related conditions. ClinVar contains an entry for this variant (Variation ID: 1516703). An algorithm developed to predict the effect of missense changes on protein structure and function (PolyPhen-2) suggests that this variant is likely to be tolerated. In summary, the available evidence is currently insufficient to determine the role of this variant in disease. Therefore, it has been classified as a Variant of Uncertain Significance.

Ambry Genetics
Classification: Uncertain significance for Inborn genetic diseases. Last evaluated: 2024-11-11. Review status: criteria provided, single submitter. Criteria: Ambry Variant Classification Scheme 2023. Collection method: clinical testing. Allele origin: germline.